The following is an entry in ClinVar:

NM_000089.4(COL1A2):c.122G>A (p.Arg41His)

Gene: COL1A2 (collagen type I alpha 2 chain; plus strand). Cytogenetic location: 7q21.3.
Variant type: single nucleotide variant.
Coding change: c.122G>A on transcript NM_000089.4 (MANE Select); coding-DNA position 122, G replaced by A.
Protein change: p.Arg41His; replaces arginine 41 with histidine.
Molecular consequence: missense variant.
Genome position (GRCh38, 1-based): chr7:94,399,074, G>A. VCF-style: chr7-94399074-G-A. GRCh37 (hg19) VCF-style: chr7-94028386-G-A.
Other names: short protein forms R41H.
Identifiers: ClinVar variation 360944 (VCV000360944.33), dbSNP rs139528613, ClinGen allele CA4346492.
Genomic context (GRCh38, chr7:94,399,074, plus strand): 5'-CATTTATTATTGTCCTGTTTGTATCTTTCCTGTAGGGCCCAGCCGGAGATAGAGGACCAC[G>A]TGGAGAAAGGGTGTGTAATTTTTGAACTATAAAGGGCTTCGTCCCGTATTTGAATAACTA-3'
Protein context (NP_000080.2, residues 31-51): RKGPAGDRGP[Arg41His]GERGPPGPPG

ClinVar aggregate classification (germline): Benign/Likely benign. Review status: criteria provided, multiple submitters, no conflicts (2 of 4 stars). 11 submissions from 10 submitters: Benign (6); Likely benign (4). 1 of the submissions does not count toward it. Last evaluated 2026-04-09.

Conditions:
COL1A2-related disorder. Also called: COL1A2-related condition; COL1A2-Related Disorders.
Osteogenesis imperfecta (OI). Identifiers: Orphanet 666, MedGen C0029434, MeSH D010013, MONDO:0019019.
Osteogenesis imperfecta type I (OI1). Also called: Lobstein's Disease; Classic Non-deforming Osteogenesis Imperfecta with Blue Sclerae; Osteogenesis imperfecta type 1; Lobstein disease; OI, TYPE I; OSTEOGENESIS IMPERFECTA TARDA. Identifiers: Orphanet 216796, Orphanet 666, MedGen C0023931, MONDO:0008146, OMIM 166200. Disease mechanism: loss of function.
Ehlers-Danlos syndrome, classic type, 1 (EDSCL1). Also called: Ehlers-Danlos syndrome, type 1; EHLERS-DANLOS SYNDROME, GRAVIS TYPE; EHLERS-DANLOS SYNDROME, SEVERE CLASSIC TYPE; EDS I; Ehlers-Danlos Syndrome, Classic Type, COL5A1-Related. Identifiers: MedGen C0268335, MONDO:0019567, OMIM 130000.
Ehlers-Danlos syndrome, arthrochalasia type, 2. Also called: EHLERS-DANLOS SYNDROME, TYPE VIIB, AUTOSOMAL DOMINANT. Identifiers: MedGen CN293783, MONDO:0040501, OMIM 617821.
Cardiovascular phenotype. Identifiers: MedGen CN230736.

Allele frequency attached by ClinVar (database versions not stated): gnomAD exomes 0.00026 and 0.00076; ExAC 0.00087; gnomAD 0.00290 and 0.00310; 1000 Genomes Project 0.00300; TOPMed 0.00326; 1000 Genomes Project 30x 0.00375; ESP Exome Variant Server 0.00423.
gnomAD v4.1: 840 of 1,613,620 alleles (0.052%); highest among the groups gnomAD compares: African/African-American, 1%; 1 homozygote.

Submissions (11):

Women's Health and Genetics/Laboratory Corporation of America, LabCorp
Classification: Likely benign. Last evaluated: 2026-04-09. Review status: criteria provided, single submitter. Criteria: LabCorp Variant Classification Summary - May 2015. Collection method: clinical testing. Allele origin: germline.
Comment: Variant summary: COL1A2 c.122G>A (p.Arg41His) results in a non-conservative amino acid change in the encoded protein sequence. Algorithms developed to predict the effect of missense changes on protein structure and function all suggest that this variant is likely to be disruptive. The variant allele was found at a frequency of 0.00076 in 251424 control chromosomes. The observed variant frequency exceeds the estimated maximal expected allele frequency for disease-causing variants in COL1A2. To our knowledge, no occurrence of c.122G>A in individuals affected with COL1A2-related conditions and no experimental evidence demonstrating its impact on protein function have been reported. ClinVar contains an entry for this variant (Variation ID: 360944). Based on the evidence outlined above, the variant was classified as likely benign.

Labcorp Genetics (formerly Invitae), Labcorp
Classification: Benign for Osteogenesis imperfecta type I; Ehlers-Danlos syndrome, classic type, 1. Last evaluated: 2026-01-20. Review status: criteria provided, single submitter. Criteria: Invitae Variant Classification Sherloc (09022015). Collection method: clinical testing. Allele origin: germline.

ARUP Laboratories, Molecular Genetics and Genomics, ARUP Laboratories
Classification: Likely benign. Last evaluated: 2025-03-27. Review status: criteria provided, single submitter. Criteria: ARUP Molecular Germline Variant Investigation Process 2024. Collection method: clinical testing. Allele origin: germline.

Blueprint Genetics
Classification: Likely benign. Last evaluated: 2024-08-06. Review status: criteria provided, single submitter. Criteria: ACMG Guidelines, 2015. Collection method: clinical testing. Allele origin: germline.

Genome Diagnostics Laboratory, The Hospital for Sick Children
Classification: Likely benign for Osteogenesis imperfecta. Last evaluated: 2021-08-13. Review status: criteria provided, single submitter. Criteria: ACMG Guidelines, 2015. Collection method: clinical testing. Allele origin: germline.

Ambry Genetics
Classification: Benign for Cardiovascular phenotype. Last evaluated: 2020-10-29. Review status: criteria provided, single submitter. Criteria: Ambry Variant Classification Scheme 2023. Collection method: clinical testing. Allele origin: germline.

Illumina Laboratory Services, Illumina
Classification: Benign for Ehlers-Danlos syndrome, arthrochalasia type, 2. Last evaluated: 2018-01-13. Review status: criteria provided, single submitter. Criteria: ICSL Variant Classification Criteria 13 December 2019. Collection method: clinical testing. Allele origin: germline.
Comment: This variant was observed in the ICSL laboratory as part of a predisposition screen in an ostensibly healthy population. It had not been previously curated by ICSL or reported in the Human Gene Mutation Database (HGMD: prior to June 1st, 2018), and was therefore a candidate for classification through an automated scoring system. Utilizing variant allele frequency, disease prevalence and penetrance estimates, and inheritance mode, an automated score was calculated to assess if this variant is too frequent to cause the disease. Based on the score and internal cut-off values, a variant classified as benign is not then subjected to further curation. The score for this variant resulted in a classification of benign for this disease.

Illumina Laboratory Services, Illumina
Classification: Benign for Osteogenesis imperfecta. Last evaluated: 2018-01-13. Review status: criteria provided, single submitter. Criteria: ICSL Variant Classification Criteria 13 December 2019. Collection method: clinical testing. Allele origin: germline.
Comment: the same text as in the submission from Illumina Laboratory Services, Illumina above.

Athena Diagnostics
Classification: Benign. Last evaluated: 2017-06-01. Review status: criteria provided, single submitter. Criteria: Athena Diagnostics Criteria. Collection method: clinical testing. Allele origin: germline.

GeneDx
Classification: Benign. Last evaluated: 2016-10-24. Review status: criteria provided, single submitter. Criteria: GeneDx Variant Classification (06012015). Collection method: clinical testing. Allele origin: germline. Affected: yes.
Comment: This variant is considered likely benign or benign based on one or more of the following criteria: it is a conservative change, it occurs at a poorly conserved position in the protein, it is predicted to be benign by multiple in silico algorithms, and/or has population frequency not consistent with disease.

PreventionGenetics, part of Exact Sciences
Classification: Benign for COL1A2-related condition. Last evaluated: 2019-10-25. Review status: no assertion criteria provided. Collection method: clinical testing. Allele origin: germline. Not counted in ClinVar's aggregate classification.
Comment: This variant is classified as benign based on ACMG/AMP sequence variant interpretation guidelines (Richards et al. 2015 PMID: 25741868, with internal and published modifications).

Literature cited by the submitters: PubMed 28346524 (cited by Ambry Genetics).